The following is an entry in ClinVar:

ClinVar aggregate classification (germline): Benign. Review status: criteria provided, multiple submitters, no conflicts (2 of 4 stars). 5 submissions from 5 submitters: Benign (4). 1 of the submissions does not count toward it. Last evaluated 2026-01-29.

Conditions:
ICOS-related disorder. Also called: ICOS-related condition.
Immunodeficiency, common variable, 1. Also called: ANTIBODY DEFICIENCY DUE TO ICOS DEFECT. Identifiers: Orphanet 1572, Orphanet 695183, MedGen C3149378, MONDO:0011864, OMIM 607594.

Allele frequency attached by ClinVar (database versions not stated): gnomAD exomes 0.00194; 1000 Genomes Project 0.00719; gnomAD 0.00783 and 0.00741; ExAC 0.00241; TOPMed 0.00764; ESP Exome Variant Server 0.00900; 1000 Genomes Project 30x 0.00953.
gnomAD v4.1: 2,173 of 1,610,374 alleles (0.13%); highest among the groups gnomAD compares: African/African-American, 2.6%; 28 homozygotes.

Submissions (5):

Women's Health and Genetics/Laboratory Corporation of America, LabCorp
Classification: Benign. Last evaluated: 2026-01-29. Review status: criteria provided, single submitter. Criteria: LabCorp Variant Classification Summary - May 2015. Collection method: clinical testing. Allele origin: germline.
Comment: Variant summary: ICOS c.40C>T (p.Arg14Cys) results in a non-conservative amino acid change in the encoded protein sequence. Algorithms developed to predict the effect of missense changes on protein structure and function are either unavailable or do not agree on the potential impact of this missense change. The variant allele was found at a frequency of 0.0019 in 250972 control chromosomes, predominantly at a frequency of 0.028 within the African or African-American subpopulation in the gnomAD database, including 4 homozygotes. The observed variant frequency within African or African-American control individuals in the gnomAD database exceeds the estimated maximal expected allele frequency for disease-causing variants in ICOS. To our knowledge, no occurrence of c.40C>T in individuals affected with ICOS-related conditions and no experimental evidence demonstrating its impact on protein function have been reported. ClinVar contains an entry for this variant (Variation ID: 439812). Based on the evidence outlined above, the variant was classified as benign.

Labcorp Genetics (formerly Invitae), Labcorp
Classification: Benign for Immunodeficiency, common variable, 1. Last evaluated: 2026-01-22. Review status: criteria provided, single submitter. Criteria: Invitae Variant Classification Sherloc (09022015). Collection method: clinical testing. Allele origin: germline.

ARUP Laboratories, Molecular Genetics and Genomics, ARUP Laboratories
Classification: Benign. Last evaluated: 2018-01-13. Review status: criteria provided, single submitter. Criteria: ARUP Molecular Germline Variant Investigation Process. Collection method: clinical testing. Allele origin: germline.

Breakthrough Genomics
Classification: Benign. Review status: criteria provided, single submitter. Criteria: ACMG Guidelines, 2015. Collection method: not provided. Allele origin: germline. Inheritance: Autosomal recessive inheritance. Affected: yes.

PreventionGenetics, part of Exact Sciences
Classification: Benign for ICOS-related condition. Last evaluated: 2023-12-22. Review status: no assertion criteria provided. Collection method: clinical testing. Allele origin: germline. Not counted in ClinVar's aggregate classification.
Comment: This variant is classified as benign based on ACMG/AMP sequence variant interpretation guidelines (Richards et al. 2015 PMID: 25741868, with internal and published modifications).

NM_012092.4(ICOS):c.40C>T (p.Arg14Cys)

Gene: ICOS (inducible T cell costimulator; plus strand). Cytogenetic location: 2q33.2.
Variant type: single nucleotide variant.
Coding change: c.40C>T on transcript NM_012092.4 (MANE Select); coding-DNA position 40, C replaced by T.
Protein change: p.Arg14Cys; replaces arginine 14 with cysteine.
Molecular consequence: missense variant.
Genome position (GRCh38, 1-based): chr2:203,936,854, C>T. VCF-style: chr2-203936854-C-T. GRCh37 (hg19) VCF-style: chr2-204801577-C-T.
Other names: short protein forms R14C.
Identifiers: ClinVar variation 439812 (VCV000439812.23), dbSNP rs77411896, ClinGen allele CA2067192.